The following is an entry in ClinVar:

NM_000478.6(ALPL):c.67G>A (p.Glu23Lys)

Gene: ALPL (alkaline phosphatase, biomineralization associated; plus strand). Cytogenetic location: 1p36.12.
Variant type: single nucleotide variant.
Coding change: c.67G>A on transcript NM_000478.6 (MANE Select); coding-DNA position 67, G replaced by A.
Protein change: p.Glu23Lys; replaces glutamic acid 23 with lysine.
Molecular consequence: missense variant. On other transcripts: 5 prime UTR variant (2).
Genome position (GRCh38, 1-based): chr1:21,560,631, G>A. VCF-style: chr1-21560631-G-A. GRCh37 (hg19) VCF-style: chr1-21887124-G-A.
Other names: c.-99G>A (NM_001127501.4); c.-49G>A (NM_001177520.3); c.67G>A, p.Glu23Lys (NM_001369803.2, NM_001369804.2, NM_001369805.2); short protein forms E23K.
Identifiers: ClinVar variation 3339415 (VCV003339415.3).

ClinVar aggregate classification (germline): Uncertain significance. Review status: criteria provided, multiple submitters, no conflicts (2 of 4 stars). 2 submissions from 2 submitters: Uncertain significance (2). Last evaluated 2024-07-22.

Submissions (2):

Women's Health and Genetics/Laboratory Corporation of America, LabCorp
Classification: Uncertain significance. Last evaluated: 2024-07-22. Review status: criteria provided, single submitter. Criteria: LabCorp Variant Classification Summary - May 2015. Collection method: clinical testing. Allele origin: germline.
Comment: Variant summary: ALPL c.67G>A (p.Glu23Lys) results in a conservative amino acid change in the encoded protein sequence. Four of five in-silico tools predict a damaging effect of the variant on protein function. The variant was absent in 251448 control chromosomes. The available data on variant occurrences in the general population are insufficient to allow any conclusion about variant significance. To our knowledge, no occurrence of c.67G>A in individuals affected with Hypophosphatasia and no experimental evidence demonstrating its impact on protein function have been reported. No submitters have cited clinical-significance assessments for this variant to ClinVar. Based on the evidence outlined above, the variant was classified as uncertain significance.

Labcorp Genetics (formerly Invitae), Labcorp
Classification: Uncertain significance. Last evaluated: 2024-05-12. Review status: criteria provided, single submitter. Criteria: Invitae Variant Classification Sherloc (09022015). Collection method: clinical testing. Allele origin: germline.
Comment: This sequence change replaces glutamic acid, which is acidic and polar, with lysine, which is basic and polar, at codon 23 of the ALPL protein (p.Glu23Lys). This variant is not present in population databases (gnomAD no frequency). This variant has not been reported in the literature in individuals affected with ALPL-related conditions. Advanced modeling of protein sequence and biophysical properties (such as structural, functional, and spatial information, amino acid conservation, physicochemical variation, residue mobility, and thermodynamic stability) performed at Invitae indicates that this missense variant is expected to disrupt ALPL protein function with a positive predictive value of 95%. In summary, the available evidence is currently insufficient to determine the role of this variant in disease. Therefore, it has been classified as a Variant of Uncertain Significance.